The following is an entry in ClinVar:

NM_014334.4(FRRS1L):c.97G>A (p.Asp33Asn)

Gene: FRRS1L (ferric chelate reductase 1 like; minus strand). Cytogenetic location: 9q31.3.
Variant type: single nucleotide variant.
Coding change: c.97G>A on transcript NM_014334.4 (MANE Select); coding-DNA position 97, G replaced by A.
Protein change: p.Asp33Asn; replaces aspartic acid 33 with asparagine.
Molecular consequence: missense variant.
Genome position (GRCh38, 1-based): chr9:109,167,042, C>T on the plus strand (G>A on the coding strand, the complement: FRRS1L is on the minus strand). VCF-style: chr9-109167042-C-T. GRCh37 (hg19) VCF-style: chr9-111929322-C-T.
Other names: short protein forms D33N.
Identifiers: ClinVar variation 1501937 (VCV001501937.3), dbSNP rs1831563459, ClinGen allele CA374430507.

ClinVar aggregate classification (germline): Uncertain significance (1 of 4 stars; one submission).

Conditions:
Developmental and epileptic encephalopathy, 37 (DEE37). Also called: Epileptic encephalopathy, early infantile, 37. Identifiers: MedGen C4310770, MONDO:0014859, OMIM 616981.

Allele frequency attached by ClinVar (database versions not stated): TOPMed below 0.00001.

Submission:

Labcorp Genetics (formerly Invitae), Labcorp
Classification: Uncertain significance for Developmental and epileptic encephalopathy, 37. Last evaluated: 2022-02-24. Review status: criteria provided, single submitter. Criteria: Invitae Variant Classification Sherloc (09022015). Collection method: clinical testing. Allele origin: germline.
Comment: This sequence change replaces aspartic acid, which is acidic and polar, with asparagine, which is neutral and polar, at codon 84 of the FRRS1L protein (p.Asp84Asn). The frequency data for this variant in the population databases is considered unreliable, as metrics indicate insufficient coverage at this position in the gnomAD database. This variant has not been reported in the literature in individuals affected with FRRS1L-related conditions. Algorithms developed to predict the effect of missense changes on protein structure and function are either unavailable or do not agree on the potential impact of this missense change (SIFT: "Tolerated"; PolyPhen-2: "Possibly Damaging"; Align-GVGD: "Class C0"). In summary, the available evidence is currently insufficient to determine the role of this variant in disease. Therefore, it has been classified as a Variant of Uncertain Significance.